The following is an entry in ClinVar:

ClinVar aggregate classification (germline): Uncertain significance (1 of 4 stars; one submission).

Conditions:
Hereditary cancer-predisposing syndrome. Also called: Neoplastic Syndromes, Hereditary; Tumor predisposition; Hereditary Cancer Syndrome; Hereditary neoplastic syndrome. Identifiers: Orphanet 140162, MedGen C0027672, MeSH D009386, MONDO:0015356.

Submission:

Ambry Genetics
Classification: Uncertain significance for Hereditary cancer-predisposing syndrome. Last evaluated: 2024-10-11. Review status: criteria provided, single submitter. Criteria: Ambry Variant Classification Scheme 2023. Collection method: clinical testing. Allele origin: germline.
Comment: The p.T499A variant (also known as c.1495A>G), located in coding exon 15 of the POLE gene, results from an A to G substitution at nucleotide position 1495. The threonine at codon 499 is replaced by alanine, an amino acid with similar properties. This amino acid position is conserved. In addition, the in silico prediction for this alteration is inconclusive. Based on the available evidence, the clinical significance of this variant remains unclear.

NM_006231.4(POLE):c.1495A>G (p.Thr499Ala)

Gene: POLE (DNA polymerase epsilon, catalytic subunit; minus strand). Cytogenetic location: 12q24.33.
Variant type: single nucleotide variant.
Coding change: c.1495A>G on transcript NM_006231.4 (MANE Select); coding-DNA position 1495, A replaced by G.
Protein change: p.Thr499Ala; replaces threonine 499 with alanine.
Molecular consequence: missense variant.
Genome position (GRCh38, 1-based): chr12:132,672,818, T>C on the plus strand (A>G on the coding strand, the complement: POLE is on the minus strand). VCF-style: chr12-132672818-T-C. GRCh37 (hg19) VCF-style: chr12-133249404-T-C.
Other names: short protein forms T499A.
Identifiers: ClinVar variation 3422188 (VCV003422188.1).